The following is an entry in ClinVar:

ClinVar aggregate classification (germline): Benign/Likely benign. Review status: criteria provided, multiple submitters, no conflicts (2 of 4 stars). 6 submissions from 6 submitters: Benign (2); Likely benign (2). 2 of the submissions do not count toward it. Last evaluated 2026-02-03.

Allele frequency attached by ClinVar (database versions not stated): 1000 Genomes Project 0.00140; 1000 Genomes Project 30x 0.00141.
gnomAD v4.1: 6,900 of 1,613,922 alleles (0.43%); highest among the groups gnomAD compares: Middle Eastern, 0.56%; 27 homozygotes.

Submissions (6):

Labcorp Genetics (formerly Invitae), Labcorp
Classification: Benign. Last evaluated: 2026-02-03. Review status: criteria provided, single submitter. Criteria: Invitae Variant Classification Sherloc (09022015). Collection method: clinical testing. Allele origin: germline.

CeGaT Center for Human Genetics Tuebingen
Classification: Likely benign. Last evaluated: 2025-09-01. Review status: criteria provided, single submitter. Criteria: CeGaT Center For Human Genetics Tuebingen Variant Classification Criteria Version 2. Collection method: clinical testing. Allele origin: germline. Affected: yes. Observed: 2 variant alleles.
Comment: RCBTB1: BP4, BP7, BS2

Blueprint Genetics
Classification: Likely benign. Last evaluated: 2024-11-23. Review status: criteria provided, single submitter. Criteria: ACMG Guidelines, 2015. Collection method: clinical testing. Allele origin: germline.

Breakthrough Genomics
Classification: Benign. Review status: criteria provided, single submitter. Criteria: ACMG Guidelines, 2015. Collection method: not provided. Allele origin: germline. Inheritance: Autosomal recessive inheritance. Affected: yes.

Clinical Genetics DNA and cytogenetics Diagnostics Lab, Erasmus MC, Erasmus Medical Center
Classification: Likely benign. Review status: no assertion criteria provided. Collection method: clinical testing. Allele origin: germline. Affected: yes. Study: VKGL Data-share Consensus. Not counted in ClinVar's aggregate classification.

Clinical Genetics, Academic Medical Center
Classification: Benign. Review status: no assertion criteria provided. Collection method: clinical testing. Allele origin: germline. Affected: yes. Study: VKGL Data-share Consensus. Not counted in ClinVar's aggregate classification.

NM_018191.4(RCBTB1):c.951C>T (p.Ser317=)

Gene: RCBTB1 (RCC1 and BTB domain containing protein 1; minus strand). Cytogenetic location: 13q14.2.
Variant type: single nucleotide variant.
Coding change: c.951C>T on transcript NM_018191.4 (MANE Select); coding-DNA position 951, C replaced by T.
Protein change: p.Ser317=; no amino-acid change (serine 317 retained).
Molecular consequence: synonymous variant. On other transcripts: non-coding transcript variant (2).
Genome position (GRCh38, 1-based): chr13:49,549,552, G>A on the plus strand (C>T on the coding strand, the complement: RCBTB1 is on the minus strand). VCF-style: chr13-49549552-G-A. GRCh37 (hg19) VCF-style: chr13-50123688-G-A.
Other names: c.951C>T, p.Ser317= (NM_001352500.2, NM_001352501.2, NM_001352502.2 and 3 more transcripts); c.372C>T, p.Ser124= (NM_001352506.2).
Identifiers: ClinVar variation 1170670 (VCV001170670.27), dbSNP rs3751382, ClinGen allele CA6982730.
Genomic context (GRCh38, chr13:49,549,552, plus strand): 5'-GGCAAAGCAGGCAAACACGTCGTCGGTGCAGGAGAAGTGGGTGAGGTGCGGGAGGATCAC[G>A]GACTGACCCCGGCACTGGCCCCACATGTACACGTGCCCACCCTGCGTCTTGGCTGCAGAC-3'
Protein context (NP_060661.3, residues 307-327): VYMWGQCRGQ[Ser317=]VILPHLTHFS